The following is an entry in ClinVar:

ClinVar aggregate classification (germline): Conflicting classifications of pathogenicity. Review status: criteria provided, conflicting classifications (1 of 4 stars). 4 submissions from 3 submitters: Uncertain significance (3); Likely benign (1). Last evaluated 2025-11-11.

Conditions:
Spherocytosis. Identifiers: MedGen C0553720, HP:0004444.
Hereditary spherocytosis type 1. Also called: Spherocytosis type 1; ANK1-Related Spherocytosis. Identifiers: Orphanet 822, MedGen C2674218, MONDO:0008447, OMIM 182900.

Allele frequency attached by ClinVar (database versions not stated): gnomAD exomes 0.00013 and 0.00014; gnomAD 0.00014 and 0.00015; ExAC 0.00016; 1000 Genomes Project 0.00020; TOPMed 0.00020; 1000 Genomes Project 30x 0.00031; ESP Exome Variant Server 0.00046.
gnomAD v4.1: 235 of 1,614,184 alleles (0.015%); highest among the groups gnomAD compares: Non-Finnish European, 0.017%; no homozygotes.

Submissions (4):

Labcorp Genetics (formerly Invitae), Labcorp
Classification: Uncertain significance. Last evaluated: 2025-11-11. Review status: criteria provided, single submitter. Criteria: Invitae Variant Classification Sherloc (09022015). Collection method: clinical testing. Allele origin: germline.
Comment: This sequence change replaces arginine, which is basic and polar, with glutamine, which is neutral and polar, at codon 1682 of the ANK1 protein (p.Arg1682Gln). This variant is present in population databases (rs140231188, gnomAD 0.02%). This variant has not been reported in the literature in individuals affected with ANK1-related conditions. ClinVar contains an entry for this variant (Variation ID: 362983). An algorithm developed to predict the effect of missense changes on protein structure and function outputs the following: PolyPhen-2: "Possibly Damaging". The glutamine amino acid residue is found in multiple mammalian species, which suggests that this missense change does not adversely affect protein function. In summary, the available evidence is currently insufficient to determine the role of this variant in disease. Therefore, it has been classified as a Variant of Uncertain Significance.

CeGaT Center for Human Genetics Tuebingen
Classification: Likely benign. Last evaluated: 2025-02-01. Review status: criteria provided, single submitter. Criteria: CeGaT Center For Human Genetics Tuebingen Variant Classification Criteria Version 2. Collection method: clinical testing. Allele origin: germline. Affected: yes. Observed: 1 variant allele.
Comment: ANK1: BP1, BP4

Illumina Laboratory Services, Illumina
Classification: Uncertain significance for Hereditary spherocytosis type 1. Last evaluated: 2018-01-12. Review status: criteria provided, single submitter. Criteria: ICSL Variant Classification Criteria 13 December 2019. Collection method: clinical testing. Allele origin: germline.

Illumina Laboratory Services, Illumina
Classification: Uncertain significance for Spherocytosis. Last evaluated: 2018-01-12. Review status: criteria provided, single submitter. Criteria: ICSL Variant Classification Criteria 13 December 2019. Collection method: clinical testing. Allele origin: germline.

NM_000037.4(ANK1):c.5045G>A (p.Arg1682Gln)

Gene: ANK1 (ankyrin 1; minus strand). Cytogenetic location: 8p11.21.
Variant type: single nucleotide variant.
Coding change: c.5045G>A on transcript NM_000037.4 (MANE Select); coding-DNA position 5045, G replaced by A.
Protein change: p.Arg1682Gln; replaces arginine 1682 with glutamine.
Molecular consequence: missense variant.
Genome position (GRCh38, 1-based): chr8:41,672,405, C>T on the plus strand (G>A on the coding strand, the complement: ANK1 is on the minus strand). VCF-style: chr8-41672405-C-T. GRCh37 (hg19) VCF-style: chr8-41529923-C-T.
Other names: c.5168G>A, p.Arg1723Gln (NM_001142446.2); c.5045G>A, p.Arg1682Gln (NM_020475.3, NM_020476.3); c.4559G>A, p.Arg1520Gln (NM_020477.3); short protein forms R1723Q, R1682Q, R1520Q.
Identifiers: ClinVar variation 362983 (VCV000362983.23), dbSNP rs140231188, ClinGen allele CA4727405.